The following is an entry in ClinVar:

NM_001267550.2(TTN):c.84302C>T (p.Thr28101Ile)

Genes: TTN (titin; minus strand), TTN-AS1 (TTN antisense RNA 1; plus strand). Cytogenetic location: 2q31.2.
Variant type: single nucleotide variant.
Coding change: c.84302C>T on transcript NM_001267550.2 (MANE Select); coding-DNA position 84302, C replaced by T.
Protein change: p.Thr28101Ile; replaces threonine 28101 with isoleucine.
Molecular consequence: missense variant.
Genome position (GRCh38, 1-based): chr2:178,561,830, G>A on the plus strand (C>T on the coding strand, the complement: TTN is on the minus strand). VCF-style: chr2-178561830-G-A. GRCh37 (hg19) VCF-style: chr2-179426557-G-A.
Other names: c.79379C>T, p.Thr26460Ile (NM_001256850.1); c.57107C>T, p.Thr19036Ile (NM_003319.4); c.76598C>T, p.Thr25533Ile (NM_133378.4); c.57482C>T, p.Thr19161Ile (NM_133432.3); c.57683C>T, p.Thr19228Ile (NM_133437.4); short protein forms T19036I, T19228I, T25533I, T19161I, T26460I, T28101I.
Identifiers: ClinVar variation 1749236 (VCV001749236.3), dbSNP rs1483336920, ClinGen allele CA349560894.

ClinVar aggregate classification (germline): Uncertain significance. Review status: criteria provided, multiple submitters, no conflicts (2 of 4 stars). 2 submissions from 2 submitters: Uncertain significance (2). Last evaluated 2023-10-17.

Conditions:
Cardiovascular phenotype. Identifiers: MedGen CN230736.

Allele frequency attached by ClinVar (database versions not stated): gnomAD 0.00001; gnomAD exomes 0.00001; TOPMed 0.00001.
gnomAD v4.1: 5 of 1,613,558 alleles (0.00031%); highest among the groups gnomAD compares: Non-Finnish European, 0.00042%; no homozygotes.

Submissions (2):

Revvity Omics, Revvity
Classification: Uncertain significance. Last evaluated: 2023-10-17. Review status: criteria provided, single submitter. Criteria: ACMG Guidelines, 2015. Collection method: clinical testing. Allele origin: germline.

Ambry Genetics
Classification: Uncertain significance for Cardiovascular phenotype. Last evaluated: 2020-01-07. Review status: criteria provided, single submitter. Criteria: Ambry Variant Classification Scheme 2023. Collection method: clinical testing. Allele origin: germline.
Comment: The p.T19036I variant (also known as c.57107C>T), located in coding exon 153 of the TTN gene, results from a C to T substitution at nucleotide position 57107. The threonine at codon 19036 is replaced by isoleucine, an amino acid with similar properties. This amino acid position is not well conserved in available vertebrate species. In addition, this alteration is predicted to be tolerated by in silico analysis. Since supporting evidence is limited at this time, the clinical significance of this alteration remains unclear.